The following is an entry in ClinVar:

ClinVar aggregate classification (germline): Uncertain significance (1 of 4 stars; one submission).

Submission:

GeneDx
Classification: Uncertain significance. Last evaluated: 2025-03-17. Review status: criteria provided, single submitter. Criteria: GeneDx Variant Classification Process June 2021. Collection method: clinical testing. Allele origin: germline. Affected: yes.
Comment: Not observed at significant frequency in large population cohorts (gnomAD); In silico analysis supports that this missense variant has a deleterious effect on protein structure/function; Has not been previously published as pathogenic or benign to our knowledge

NM_001330288.2(SMARCC2):c.370T>G (p.Phe124Val)

Gene: SMARCC2 (SWI/SNF related BAF chromatin remodeling complex subunit C2; minus strand). Cytogenetic location: 12q13.2.
Variant type: single nucleotide variant.
Coding change: c.370T>G on transcript NM_001330288.2 (MANE Select); coding-DNA position 370, T replaced by G.
Protein change: p.Phe124Val; replaces phenylalanine 124 with valine.
Molecular consequence: missense variant.
Genome position (GRCh38, 1-based): chr12:56,185,059, A>C on the plus strand (T>G on the coding strand, the complement: SMARCC2 is on the minus strand). VCF-style: chr12-56185059-A-C. GRCh37 (hg19) VCF-style: chr12-56578843-A-C.
Other names: c.370T>G, p.Phe124Val (NM_001130420.3, NM_003075.5, NM_139067.4); short protein forms F124V.
Identifiers: ClinVar variation 4086706 (VCV004086706.1).